The following is an entry in ClinVar:

ClinVar aggregate classification (germline): Uncertain significance. Review status: criteria provided, multiple submitters, no conflicts (2 of 4 stars). 2 submissions from 2 submitters: Uncertain significance (2). Last evaluated 2025-07-19.

Conditions:
Hereditary cancer-predisposing syndrome. Also called: Neoplastic Syndromes, Hereditary; Tumor predisposition; Hereditary Cancer Syndrome; Hereditary neoplastic syndrome. Identifiers: Orphanet 140162, MedGen C0027672, MeSH D009386, MONDO:0015356.
Familial adenomatous polyposis 1 (FAP1). Also called: FAMILIAL ADENOMATOUS POLYPOSIS 1, ATTENUATED; POLYPOSIS, ADENOMATOUS INTESTINAL. Identifiers: MedGen C2713442, MONDO:0021056, OMIM 175100. Disease mechanism: loss of function.

Submissions (2):

Labcorp Genetics (formerly Invitae), Labcorp
Classification: Uncertain significance for Familial adenomatous polyposis 1. Last evaluated: 2025-07-19. Review status: criteria provided, single submitter. Criteria: Invitae Variant Classification Sherloc (09022015). Collection method: clinical testing. Allele origin: germline.
Comment: This sequence change replaces isoleucine, which is neutral and non-polar, with valine, which is neutral and non-polar, at codon 446 of the APC protein (p.Ile446Val). This variant is not present in population databases (gnomAD no frequency). This variant has not been reported in the literature in individuals affected with APC-related conditions. ClinVar contains an entry for this variant (Variation ID: 918256). Invitae Evidence Modeling of protein sequence and biophysical properties (such as structural, functional, and spatial information, amino acid conservation, physicochemical variation, residue mobility, and thermodynamic stability) indicates that this missense variant is not expected to disrupt APC protein function with a negative predictive value of 95%. In summary, the available evidence is currently insufficient to determine the role of this variant in disease. Therefore, it has been classified as a Variant of Uncertain Significance.

Color Diagnostics, LLC DBA Color Health
Classification: Uncertain significance for Hereditary cancer-predisposing syndrome. Last evaluated: 2019-03-14. Review status: criteria provided, single submitter. Criteria: ACMG Guidelines, 2015. Collection method: clinical testing. Allele origin: germline.

NM_000038.6(APC):c.1336A>G (p.Ile446Val)

Gene: APC (APC regulator of Wnt signaling pathway; plus strand). Cytogenetic location: 5q22.2.
Variant type: single nucleotide variant.
Coding change: c.1336A>G on transcript NM_000038.6 (MANE Select); coding-DNA position 1336, A replaced by G.
Protein change: p.Ile446Val; replaces isoleucine 446 with valine.
Molecular consequence: missense variant.
Genome position (GRCh38, 1-based): chr5:112,821,919, A>G. VCF-style: chr5-112821919-A-G. GRCh37 (hg19) VCF-style: chr5-112157616-A-G.
Other names: c.1336A>G, p.Ile446Val (NM_001354895.2, NM_001354896.2, NM_001127510.3); c.1366A>G, p.Ile456Val (NM_001354897.2); c.1261A>G, p.Ile421Val (NM_001354898.2); c.1252A>G, p.Ile418Val (NM_001354899.2); c.1159A>G, p.Ile387Val (NM_001354900.2, NM_001354901.2); c.1063A>G, p.Ile355Val (NM_001354902.2); c.1033A>G, p.Ile345Val (NM_001354903.2); c.958A>G, p.Ile320Val (NM_001354904.2); and 3 more; short protein forms I355V, I387V, I320V, I421V, I428V, I446V, I345V, I418V.
Identifiers: ClinVar variation 918256 (VCV000918256.8), dbSNP rs1763171856, ClinGen allele CA16024230.